The following is an entry in ClinVar:

ClinVar aggregate classification (germline): Pathogenic (1 of 4 stars; one submission).

Submission:

GeneDx
Classification: Pathogenic. Last evaluated: 2018-03-15. Review status: criteria provided, single submitter. Criteria: GeneDx Variant Classification (06012015). Collection method: clinical testing. Allele origin: germline. Affected: yes.
Comment: The E611X variant in the BCL11A gene has not been reported previously as a pathogenic variant nor as a benign variant, to our knowledge. This variant is predicted to cause loss of normal protein function through protein truncation. The E611X variant is not observed in large population cohorts (Lek et al., 2016). We interpret E611X as a pathogenic variant.

NM_022893.4(BCL11A):c.1831G>T (p.Glu611Ter)

Gene: BCL11A (BCL11 transcription factor A; minus strand). Cytogenetic location: 2p16.1.
Variant type: single nucleotide variant.
Coding change: c.1831G>T on transcript NM_022893.4 (MANE Select); coding-DNA position 1831, G replaced by T.
Protein change: p.Glu611Ter; replaces glutamic acid 611 with a stop codon.
Molecular consequence: nonsense. On other transcripts: intron variant (1).
Genome position (GRCh38, 1-based): chr2:60,461,081, C>A on the plus strand (G>T on the coding strand, the complement: BCL11A is on the minus strand). VCF-style: chr2-60461081-C-A. GRCh37 (hg19) VCF-style: chr2-60688216-C-A.
Other names: c.1729G>T, p.Glu577Ter (NM_001363864.1, NM_001365609.1); c.1831G>T, p.Glu611Ter (NM_018014.4); c.630+1201G>T (NM_138559.2); short protein forms E611*, E577*.
Identifiers: ClinVar variation 523833 (VCV000523833.2), dbSNP rs1303665345, ClinGen allele CA347037140.